The following is an entry in ClinVar:

NM_001114753.3(ENG):c.992-3C>T

Gene: ENG (endoglin; minus strand). Cytogenetic location: 9q34.11.
Variant type: single nucleotide variant.
Coding change: c.992-3C>T on transcript NM_001114753.3 (MANE Select); 3 bases into the intron before coding-DNA position 992, C replaced by T.
Molecular consequence: intron variant.
Genome position (GRCh38, 1-based): chr9:127,824,449, G>A on the plus strand (C>T on the coding strand, the complement: ENG is on the minus strand). VCF-style: chr9-127824449-G-A. GRCh37 (hg19) VCF-style: chr9-130586728-G-A.
Other names: c.992-3C>T (NM_000118.4, NM_001406715.1); c.446-3C>T (NM_001278138.2).
Identifiers: ClinVar variation 840264 (VCV000840264.11), dbSNP rs1830552318, ClinGen allele CA916081553.

ClinVar aggregate classification (germline): Uncertain significance (1 of 4 stars; one submission).

Conditions:
Hereditary hemorrhagic telangiectasia (HHT). Also called: ORW DISEASE; Osler Weber Rendu syndrome; OSLER-RENDU-WEBER DISEASE; Osler hemorrhagic telangiectasia syndrome. Identifiers: Orphanet 774, MedGen C0039445, MONDO:0019180. Disease mechanism: loss of function.

Allele frequency attached by ClinVar (database versions not stated): gnomAD exomes below 0.00001.
gnomAD v4.1: 1 of 1,613,036 alleles (0.000062%); highest among the groups gnomAD compares: Non-Finnish European, 0.000085%; no homozygotes.

Submission:

Labcorp Genetics (formerly Invitae), Labcorp
Classification: Uncertain significance for Hereditary hemorrhagic telangiectasia. Last evaluated: 2019-01-25. Review status: criteria provided, single submitter. Criteria: Invitae Variant Classification Sherloc (09022015). Collection method: clinical testing. Allele origin: germline.
Comment: In summary, the available evidence is currently insufficient to determine the role of this variant in disease. Therefore, it has been classified as a Variant of Uncertain Significance. Nucleotide substitutions within the consensus splice site are a relatively common cause of aberrant splicing (PMID: 17576681, 9536098). Algorithms developed to predict the effect of sequence changes on RNA splicing suggest that this variant is not likely to affect RNA splicing, but this prediction has not been confirmed by published transcriptional studies. This variant has not been reported in the literature in individuals with ENG-related conditions. This variant is not present in population databases (ExAC no frequency). This sequence change falls in intron 7 of the ENG gene. It does not directly change the encoded amino acid sequence of the ENG protein, but it affects a nucleotide within the consensus splice site of the intron.

Literature cited by the submitters: PubMed 17576681; PubMed 9536098.